The following is an entry in ClinVar:

NM_018896.5(CACNA1G):c.5227-10T>G

Gene: CACNA1G (calcium voltage-gated channel subunit alpha1 G; plus strand). Cytogenetic location: 17q21.33.
Variant type: single nucleotide variant.
Coding change: c.5227-10T>G on transcript NM_018896.5 (MANE Select); 10 bases into the intron before coding-DNA position 5227, T replaced by G.
Molecular consequence: intron variant.
Genome position (GRCh38, 1-based): chr17:50,618,038, T>G. VCF-style: chr17-50618038-T-G. GRCh37 (hg19) VCF-style: chr17-48695399-T-G.
Other names: c.5248-10T>G (NM_001256325.2); c.5194-10T>G (NM_198377.3, NM_198380.3, NM_198378.3 and 1 more transcripts); c.5227-10T>G (NM_198385.3, NM_198384.3, NM_001256333.2); c.5206-10T>G (NM_001256327.2); c.5173-10T>G (NM_001256324.2, NM_198386.3); c.5152-10T>G (NM_001256328.2); c.5119-10T>G (NM_001256360.2); c.5113-10T>G (NM_001256361.2); and 7 more.
Identifiers: ClinVar variation 4086340 (VCV004086340.1).

ClinVar aggregate classification (germline): Uncertain significance (1 of 4 stars; one submission).

gnomAD v4.1: 2 of 1,613,618 alleles (0.00012%); highest among the groups gnomAD compares: East Asian, 0.0045%; no homozygotes.

Submission:

GeneDx
Classification: Uncertain significance. Last evaluated: 2025-03-21. Review status: criteria provided, single submitter. Criteria: GeneDx Variant Classification Process June 2021. Collection method: clinical testing. Allele origin: germline. Affected: yes.
Comment: Not observed at significant frequency in large population cohorts (gnomAD); In silico analysis indicates that this variant does not alter splicing; Has not been previously published as pathogenic or benign to our knowledge